The following is an entry in ClinVar:

NM_002439.5(MSH3):c.1541A>G (p.Asn514Ser)

Gene: MSH3 (mutS homolog 3; plus strand). Cytogenetic location: 5q14.1.
Variant type: single nucleotide variant.
Coding change: c.1541A>G on transcript NM_002439.5 (MANE Select); coding-DNA position 1541, A replaced by G.
Protein change: p.Asn514Ser; replaces asparagine 514 with serine.
Molecular consequence: missense variant.
Genome position (GRCh38, 1-based): chr5:80,728,938, A>G. VCF-style: chr5-80728938-A-G. GRCh37 (hg19) VCF-style: chr5-80024757-A-G.
Other names: short protein forms N514S.
Identifiers: ClinVar variation 967978 (VCV000967978.13), dbSNP rs1286323562, ClinGen allele CA360274330.
Genomic context (GRCh38, chr5:80,728,938, plus strand): 5'-ACTTAGAGAAGCCTGTGATTTGCTCTTTGGCTGCCATCATAAAATACCTCAAAGAATTCA[A>G]CTTGGAAAAGATGCTCTCCAAACCTGAGTAAGTGATTCCTCCAAAATTAAAAAAAGGGGG-3'
Protein context (NP_002430.3, residues 504-524): AAIIKYLKEF[Asn514Ser]LEKMLSKPEN

ClinVar aggregate classification (germline): Uncertain significance. Review status: criteria provided, multiple submitters, no conflicts (2 of 4 stars). 3 submissions from 3 submitters: Uncertain significance (3). Last evaluated 2024-08-23.

Conditions:
Hereditary cancer-predisposing syndrome. Also called: Hereditary neoplastic syndrome; Neoplastic Syndromes, Hereditary; Hereditary Cancer Syndrome; Tumor predisposition. Identifiers: Orphanet 140162, MedGen C0027672, MeSH D009386, MONDO:0015356.

Allele frequency attached by ClinVar (database versions not stated): gnomAD exomes below 0.00001; gnomAD 0.00001; TOPMed 0.00001.
gnomAD v4.1: 2 of 1,609,114 alleles (0.00012%); highest among the groups gnomAD compares: Non-Finnish European, 0.00017%; no homozygotes.

Submissions (3):

GeneDx
Classification: Uncertain significance. Last evaluated: 2024-08-23. Review status: criteria provided, single submitter. Criteria: GeneDx Variant Classification Process June 2021. Collection method: clinical testing. Allele origin: germline. Affected: yes.
Comment: Not observed at significant frequency in large population cohorts (gnomAD); In silico analysis indicates that this missense variant does not alter protein structure/function; Has not been previously published as pathogenic or benign to our knowledge

Labcorp Genetics (formerly Invitae), Labcorp
Classification: Uncertain significance. Last evaluated: 2024-04-16. Review status: criteria provided, single submitter. Criteria: Invitae Variant Classification Sherloc (09022015). Collection method: clinical testing. Allele origin: germline.
Comment: This sequence change replaces asparagine, which is neutral and polar, with serine, which is neutral and polar, at codon 514 of the MSH3 protein (p.Asn514Ser). This variant is not present in population databases (gnomAD no frequency). This variant has not been reported in the literature in individuals affected with MSH3-related conditions. ClinVar contains an entry for this variant (Variation ID: 967978). An algorithm developed to predict the effect of missense changes on protein structure and function (PolyPhen-2) suggests that this variant is likely to be disruptive. In summary, the available evidence is currently insufficient to determine the role of this variant in disease. Therefore, it has been classified as a Variant of Uncertain Significance.

Ambry Genetics
Classification: Uncertain significance for Hereditary cancer-predisposing syndrome. Last evaluated: 2023-07-27. Review status: criteria provided, single submitter. Criteria: Ambry Variant Classification Scheme 2023. Collection method: clinical testing. Allele origin: germline.
Comment: The p.N514S variant (also known as c.1541A>G), located in coding exon 10 of the MSH3 gene, results from an A to G substitution at nucleotide position 1541. The asparagine at codon 514 is replaced by serine, an amino acid with highly similar properties. This amino acid position is highly conserved in available vertebrate species. In addition, this alteration is predicted to be tolerated by in silico analysis. Since supporting evidence is limited at this time, the clinical significance of this alteration remains unclear.